The following is an entry in ClinVar:

NM_000393.5(COL5A2):c.261G>A (p.Thr87=)

Gene: COL5A2 (collagen type V alpha 2 chain; minus strand). Cytogenetic location: 2q32.2.
Variant type: single nucleotide variant.
Coding change: c.261G>A on transcript NM_000393.5 (MANE Select); coding-DNA position 261, G replaced by A.
Protein change: p.Thr87=; no amino-acid change (threonine 87 retained).
Molecular consequence: synonymous variant.
Genome position (GRCh38, 1-based): chr2:189,110,286, C>T on the plus strand (G>A on the coding strand, the complement: COL5A2 is on the minus strand). VCF-style: chr2-189110286-C-T. GRCh37 (hg19) VCF-style: chr2-189975012-C-T.
Other names: p.T87T:ACG>ACA; p.Thr87=; c.261G>A (NM_000393.4).
Identifiers: ClinVar variation 136963 (VCV000136963.61), dbSNP rs142044596, ClinGen allele CA290409.

ClinVar aggregate classification (germline): Benign/Likely benign. Review status: criteria provided, multiple submitters, no conflicts (2 of 4 stars). 14 submissions from 14 submitters: Benign (7); Likely benign (5). 2 of the submissions do not count toward it. Last evaluated 2026-03-01.

Conditions:
Ehlers-Danlos syndrome, classic type, 1 (EDSCL1). Also called: Ehlers-Danlos syndrome, type 1; Ehlers-Danlos Syndrome, Classic Type, COL5A1-Related; EDS I; EHLERS-DANLOS SYNDROME, GRAVIS TYPE; EHLERS-DANLOS SYNDROME, SEVERE CLASSIC TYPE. Identifiers: MedGen C0268335, MONDO:0019567, OMIM 130000.
Connective tissue disorder. Also called: Connective tissue disease. Identifiers: MedGen C0009782, MONDO:0003900.
Ehlers-Danlos syndrome, classic type, 2 (EDSCL2). Also called: Ehlers-Danlos syndrome, type 2; Ehlers-Danlos syndrome type 2 (formerly); Ehlers-Danlos Syndrome, Classic Type, COL5A2-Related. Identifiers: Orphanet 287, Orphanet 90318, MedGen C0268336, MONDO:0019568, OMIM 130010.
Ehlers-Danlos syndrome (EDS). Identifiers: Orphanet 98249, MedGen C0013720, MONDO:0020066.
Familial thoracic aortic aneurysm and aortic dissection (TAAD). Also called: Thoracic aortic aneurysms and dissections. Identifiers: Orphanet 91387, MedGen C4707243, MONDO:0019625.

Allele frequency attached by ClinVar (database versions not stated): 1000 Genomes Project 0.00020; 1000 Genomes Project 30x 0.00031; gnomAD 0.00097 and 0.00108; TOPMed 0.00119; ESP Exome Variant Server 0.00169; ExAC 0.00170; gnomAD exomes 0.00175.
gnomAD v4.1: 1,742 of 1,614,110 alleles (0.11%); highest among the groups gnomAD compares: Middle Eastern, 0.23%; 18 homozygotes.

Submissions (14):

CeGaT Center for Human Genetics Tuebingen
Classification: Likely benign. Last evaluated: 2026-03-01. Review status: criteria provided, single submitter. Criteria: CeGaT Center For Human Genetics Tuebingen Variant Classification Criteria Version 2. Collection method: clinical testing. Allele origin: germline. Affected: yes. Observed: 3 variant alleles.
Comment: COL5A2: BP4, BP7, BS1

Labcorp Genetics (formerly Invitae), Labcorp
Classification: Benign for Ehlers-Danlos syndrome, classic type, 1. Last evaluated: 2026-01-30. Review status: criteria provided, single submitter. Criteria: Invitae Variant Classification Sherloc (09022015). Collection method: clinical testing. Allele origin: germline.

Molecular Diagnostic Laboratory for Inherited Cardiovascular Disease, Montreal Heart Institute
Classification: Likely benign. Last evaluated: 2025-07-24. Review status: criteria provided, single submitter. Criteria: ACMG Guidelines, 2015. Collection method: clinical testing. Allele origin: germline. Affected: no.
Comment: BS1;BP7

Mayo Clinic Laboratories, Mayo Clinic
Classification: Benign. Last evaluated: 2025-02-03. Review status: criteria provided, single submitter. Criteria: ACMG Guidelines, 2015. Collection method: clinical testing. Allele origin: germline. Observed: 9 variant alleles.
Comment: BS1, BS2, BP4, BP7

Women's Health and Genetics/Laboratory Corporation of America, LabCorp
Classification: Benign. Last evaluated: 2023-07-21. Review status: criteria provided, single submitter. Criteria: LabCorp Variant Classification Summary - May 2015. Collection method: clinical testing. Allele origin: germline.

Genome Diagnostics Laboratory, The Hospital for Sick Children
Classification: Benign for Ehlers-Danlos syndrome. Last evaluated: 2021-09-28. Review status: criteria provided, single submitter. Criteria: ACMG Guidelines, 2015. Collection method: clinical testing. Allele origin: germline.

Illumina Laboratory Services, Illumina
Classification: Benign for Ehlers-Danlos syndrome, classic type, 2. Last evaluated: 2018-01-13. Review status: criteria provided, single submitter. Criteria: ICSL Variant Classification Criteria 13 December 2019. Collection method: clinical testing. Allele origin: germline.
Comment: This variant was observed in the ICSL laboratory as part of a predisposition screen in an ostensibly healthy population. It had not been previously curated by ICSL or reported in the Human Gene Mutation Database (HGMD: prior to June 1st, 2018), and was therefore a candidate for classification through an automated scoring system. Utilizing variant allele frequency, disease prevalence and penetrance estimates, and inheritance mode, an automated score was calculated to assess if this variant is too frequent to cause the disease. Based on the score and internal cut-off values, a variant classified as benign is not then subjected to further curation. The score for this variant resulted in a classification of benign for this disease.

ARUP Laboratories, Molecular Genetics and Genomics, ARUP Laboratories
Classification: Benign. Last evaluated: 2017-07-11. Review status: criteria provided, single submitter. Criteria: ARUP Molecular Germline Variant Investigation Process. Collection method: clinical testing. Allele origin: germline.

Center for Human Genetics, Inc
Classification: Likely benign for Connective tissue disorder. Last evaluated: 2016-11-01. Review status: criteria provided, single submitter. Criteria: ACMG Guidelines, 2015. Collection method: clinical testing. Allele origin: germline. Affected: yes.

Ambry Genetics
Classification: Likely benign for Familial thoracic aortic aneurysm and aortic dissection. Last evaluated: 2015-08-07. Review status: criteria provided, single submitter. Criteria: Ambry Variant Classification Scheme 2023. Collection method: clinical testing. Allele origin: germline.

GeneDx
Classification: Benign. Last evaluated: 2013-05-10. Review status: criteria provided, single submitter. Criteria: GeneDx Variant Classification (06012015). Collection method: clinical testing. Allele origin: germline. Affected: yes.
Comment: This variant is considered likely benign or benign based on one or more of the following criteria: it is a conservative change, it occurs at a poorly conserved position in the protein, it is predicted to be benign by multiple in silico algorithms, and/or has population frequency not consistent with disease.

Breakthrough Genomics
Classification: Likely benign. Review status: criteria provided, single submitter. Criteria: ACMG Guidelines, 2015. Collection method: not provided. Allele origin: germline. Inheritance: Autosomal dominant inheritance. Affected: yes.

Clinical Genetics DNA and cytogenetics Diagnostics Lab, Erasmus MC, Erasmus Medical Center
Classification: Likely benign. Review status: no assertion criteria provided. Collection method: clinical testing. Allele origin: germline. Affected: yes. Study: VKGL Data-share Consensus. Not counted in ClinVar's aggregate classification.

Genome Diagnostics Laboratory, Amsterdam University Medical Center
Classification: Likely benign. Review status: no assertion criteria provided. Collection method: clinical testing. Allele origin: germline. Affected: yes. Study: VKGL Data-share Consensus. Not counted in ClinVar's aggregate classification.